The following is an entry in ClinVar:

ClinVar aggregate classification (germline): Benign (0 of 4 stars; one submission).

Conditions:
ABCA7-related disorder. Also called: ABCA7-related condition.

Allele frequency attached by ClinVar (database versions not stated): ESP Exome Variant Server 0.03468; TOPMed 0.04721; gnomAD 0.04756; gnomAD exomes 0.05838; ExAC 0.06973; 1000 Genomes Project 30x 0.10618; 1000 Genomes Project 0.11542.
gnomAD v4.1: 93,060 of 1,613,820 alleles (5.8%); highest among the groups gnomAD compares: East Asian, 37%; 5,453 homozygotes.

Submission:

PreventionGenetics, part of Exact Sciences
Classification: Benign for ABCA7-related condition. Last evaluated: 2019-03-29. Review status: no assertion criteria provided. Collection method: clinical testing. Allele origin: germline.
Comment: This variant is classified as benign based on ACMG/AMP sequence variant interpretation guidelines (Richards et al. 2015 PMID: 25741868, with internal and published modifications).

NM_019112.4(ABCA7):c.-9A>G

Gene: ABCA7 (ATP binding cassette subfamily A member 7; plus strand). Cytogenetic location: 19p13.3.
Variant type: single nucleotide variant.
Coding change: c.-9A>G on transcript NM_019112.4 (MANE Select); 9 bases upstream of the start codon, A replaced by G.
Molecular consequence: 5 prime UTR variant.
Genome position (GRCh38, 1-based): chr19:1,041,353, A>G. VCF-style: chr19-1041353-A-G. GRCh37 (hg19) VCF-style: chr19-1041352-A-G.
Identifiers: ClinVar variation 3060463 (VCV003060463.2), dbSNP rs3752229, ClinGen allele CA9032358.
Genomic context (GRCh38, chr19:1,041,353, plus strand): 5'-GCCGCACCGCACGTCTTCAGCCCGACCGTTGTCCTGACCTCTCTGTCCCGTCCCCTGCCC[A>G]GTCTCACCATGGCCTTCTGGACACAGCTGATGCTGCTGCTCTGGAAGAATTTCATGTATC-3'